The following is an entry in ClinVar:

ClinVar aggregate classification (germline): Pathogenic (1 of 4 stars; one submission).

Submission:

Labcorp Genetics (formerly Invitae), Labcorp
Classification: Pathogenic. Last evaluated: 2024-07-21. Review status: criteria provided, single submitter. Criteria: Invitae Variant Classification Sherloc (09022015). Collection method: clinical testing. Allele origin: germline.
Comment: This sequence change creates a premature translational stop signal (p.Arg54Profs*42) in the CTNNA1 gene. It is expected to result in an absent or disrupted protein product. Loss-of-function variants in CTNNA1 are known to be pathogenic (PMID: 32051609, 34425242). This variant is not present in population databases (gnomAD no frequency). This variant has not been reported in the literature in individuals affected with CTNNA1-related conditions. For these reasons, this variant has been classified as Pathogenic.

Literature cited by the submitters: PubMed 32051609; PubMed 34425242.

NM_001903.5(CTNNA1):c.160_161insCT (p.Arg54fs)

Gene: CTNNA1 (catenin alpha 1; plus strand). Cytogenetic location: 5q31.2.
Variant type: Insertion.
Coding change: c.160_161insCT on transcript NM_001903.5 (MANE Select); coding-DNA positions 160 to 161, CT inserted.
Protein change: p.Arg54fs; shifts the reading frame from arginine 54.
Molecular consequence: frameshift variant. On other transcripts: 5 prime UTR variant (1), intron variant (1).
Genome position: GRCh38 VCF-style: chr5-138783231-C-CCT. GRCh37 (hg19) VCF-style: chr5-138118920-C-CCT.
Other names: c.160_161insCT, p.Arg54fs (NM_001290307.3, NM_001323982.2, NM_001323983.1 and 3 more transcripts); c.-47_-46insCT (NM_001290310.3); c.-9+1202_-9+1203insCT (NM_001290309.3); short protein forms R54fs.
Identifiers: ClinVar variation 3660042 (VCV003660042.2).